The following is an entry in ClinVar:

ClinVar aggregate classification (germline): Pathogenic/Likely pathogenic. Review status: criteria provided, multiple submitters, no conflicts (2 of 4 stars). 2 submissions from 2 submitters: Pathogenic (1); Likely pathogenic (1). Last evaluated 2025-08-08.

Submissions (2):

GeneDx
Classification: Pathogenic. Last evaluated: 2025-08-08. Review status: criteria provided, single submitter. Criteria: GeneDx Variant Classification Process June 2021. Collection method: clinical testing. Allele origin: germline.
Comment: This substitution is predicted to be within the transmembrane segment S5 of the third homologous domain; Not observed at significant frequency in large population cohorts (gnomAD); In silico analysis supports that this missense variant has a deleterious effect on protein structure/function; This variant is associated with the following publications: (PMID: 23935176, 32090326, 33726816, 33731876)

Revvity Omics, Revvity
Classification: Likely pathogenic. Last evaluated: 2021-08-04. Review status: criteria provided, single submitter. Criteria: ACMG Guidelines, 2015. Collection method: clinical testing. Allele origin: germline.

NM_001040142.2(SCN2A):c.4013T>C (p.Met1338Thr)

Gene: SCN2A (sodium voltage-gated channel alpha subunit 2; plus strand). Cytogenetic location: 2q24.3.
Variant type: single nucleotide variant.
Coding change: c.4013T>C on transcript NM_001040142.2 (MANE Select); coding-DNA position 4013, T replaced by C.
Protein change: p.Met1338Thr; replaces methionine 1338 with threonine.
Molecular consequence: missense variant.
Genome position (GRCh38, 1-based): chr2:165,374,725, T>C. VCF-style: chr2-165374725-T-C. GRCh37 (hg19) VCF-style: chr2-166231235-T-C.
Other names: c.4013T>C, p.Met1338Thr (NM_001040143.2, NM_001371246.1, NM_001371247.1 and 1 more transcripts); short protein forms M1338T.
Identifiers: ClinVar variation 1325038 (VCV001325038.7), dbSNP rs796053133, ClinGen allele CA349030299.